The following is an entry in ClinVar:

ClinVar aggregate classification (germline): Uncertain significance. Review status: criteria provided, multiple submitters, no conflicts (2 of 4 stars). 2 submissions from 2 submitters: Uncertain significance (2). Last evaluated 2022-02-18.

Conditions:
Menkes kinky-hair syndrome (MNK). Also called: Copper transport disease; Classic Menkes Disease; Menkes Disease. Identifiers: Orphanet 565, MedGen C0022716, MONDO:0010651, OMIM 309400.
Cutis laxa, X-linked (OHS). Also called: EDS IX; Occipital horn syndrome. Identifiers: Orphanet 198, MedGen C0268353, MONDO:0010572, OMIM 304150.
X-linked distal spinal muscular atrophy type 3. Also called: SPINAL MUSCULAR ATROPHY, DISTAL, X-LINKED RECESSIVE; ATP7A-Related Distal Motor Neuropathy; NEURONOPATHY, DISTAL HEREDITARY MOTOR, X-LINKED; NEUROPATHY, DISTAL HEREDITARY MOTOR, X-LINKED. Identifiers: Orphanet 139557, MedGen C1845359, MONDO:0010338, OMIM 300489.

Submissions (2):

Labcorp Genetics (formerly Invitae), Labcorp
Classification: Uncertain significance for X-linked distal spinal muscular atrophy type 3; Cutis laxa, X-linked; Menkes kinky-hair syndrome. Last evaluated: 2022-02-18. Review status: criteria provided, single submitter. Criteria: Invitae Variant Classification Sherloc (09022015). Collection method: clinical testing. Allele origin: germline.
Comment: This sequence change replaces glutamic acid, which is acidic and polar, with glutamine, which is neutral and polar, at codon 921 of the ATP7A protein (p.Glu921Gln). This variant is not present in population databases (gnomAD no frequency). This variant has not been reported in the literature in individuals affected with ATP7A-related conditions. ClinVar contains an entry for this variant (Variation ID: 1334048). Advanced modeling of protein sequence and biophysical properties (such as structural, functional, and spatial information, amino acid conservation, physicochemical variation, residue mobility, and thermodynamic stability) performed at Invitae indicates that this missense variant is not expected to disrupt ATP7A protein function. In summary, the available evidence is currently insufficient to determine the role of this variant in disease. Therefore, it has been classified as a Variant of Uncertain Significance.

CENTOGENE GmbH and LLC - Guiding Precision Medicine
Classification: Uncertain significance for Menkes kinky-hair syndrome. Last evaluated: 2018-10-01. Review status: criteria provided, single submitter. Criteria: ACMG Guidelines, 2015. Collection method: clinical testing. Allele origin: germline. Affected: yes.

NM_000052.7(ATP7A):c.2761G>C (p.Glu921Gln)

Gene: ATP7A (ATPase copper transporting alpha; plus strand). Cytogenetic location: Xq21.1.
Variant type: single nucleotide variant.
Coding change: c.2761G>C on transcript NM_000052.7 (MANE Select); coding-DNA position 2761, G replaced by C.
Protein change: p.Glu921Gln; replaces glutamic acid 921 with glutamine.
Molecular consequence: missense variant.
Genome position (GRCh38, 1-based): chrX:78,020,378, G>C. VCF-style: chrX-78020378-G-C. GRCh37 (hg19) VCF-style: chrX-77275875-G-C.
Other names: c.2527G>C, p.Glu843Gln (NM_001282224.2); short protein forms E843Q, E921Q.
Identifiers: ClinVar variation 1334048 (VCV001334048.9), dbSNP rs2149099719, ClinGen allele CA413602626.